The following is an entry in ClinVar:

NM_001376232.1(ZP2):c.1247G>A (p.Arg416Gln)

Gene: ZP2 (zona pellucida glycoprotein 2; minus strand). Cytogenetic location: 16p12.2.
Variant type: single nucleotide variant.
Coding change: c.1247G>A on transcript NM_001376232.1 (MANE Select); coding-DNA position 1247, G replaced by A.
Protein change: p.Arg416Gln; replaces arginine 416 with glutamine.
Molecular consequence: missense variant. On other transcripts: non-coding transcript variant (1).
Genome position (GRCh38, 1-based): chr16:21,202,144, C>T on the plus strand (G>A on the coding strand, the complement: ZP2 is on the minus strand). VCF-style: chr16-21202144-C-T. GRCh37 (hg19) VCF-style: chr16-21213465-C-T.
Other names: c.1247G>A, p.Arg416Gln (NM_001376231.1, NM_001376233.1, NM_003460.2); short protein forms R416Q.
Identifiers: ClinVar variation 2378889 (VCV002378889.9), dbSNP rs763479712, ClinGen allele CA7949806.
Genomic context (GRCh38, chr16:21,202,144, plus strand): 5'-TGCCATCTGCCAGTACTAACCTTATATCTCGTTCCACATCCATTCAGGGGTATGTGGAAC[C>T]GTACCAGCCCCTGAGACTGAGCCTCAAAGACAGGCTGGCAGGATGAGTTTCCCACCCTCA-3'
Protein context (NP_001363161.1, residues 406-426): VFEAQSQGLV[Arg416Gln]FHIPLNGCGT

ClinVar aggregate classification (germline): Uncertain significance. Review status: criteria provided, multiple submitters, no conflicts (2 of 4 stars). 2 submissions from 2 submitters: Uncertain significance (2). Last evaluated 2025-11-01.

Allele frequency attached by ClinVar (database versions not stated): ExAC 0.00002; gnomAD exomes 0.00002.

Submissions (2):

CeGaT Center for Human Genetics Tuebingen
Classification: Uncertain significance. Last evaluated: 2025-11-01. Review status: criteria provided, single submitter. Criteria: CeGaT Center For Human Genetics Tuebingen Variant Classification Criteria Version 2. Collection method: clinical testing. Allele origin: germline. Affected: yes. Observed: 1 variant allele.
Comment: ZP2: PM2, BP4

Ambry Genetics
Classification: Uncertain significance. Last evaluated: 2024-05-13. Review status: criteria provided, single submitter. Criteria: Ambry Variant Classification Scheme 2023. Collection method: clinical testing. Allele origin: germline.